The following is an entry in ClinVar:

NM_000443.4(ABCB4):c.2371G>T (p.Ala791Ser)

Gene: ABCB4 (ATP binding cassette subfamily B member 4; minus strand). Cytogenetic location: 7q21.12.
Variant type: single nucleotide variant.
Coding change: c.2371G>T on transcript NM_000443.4 (MANE Select); coding-DNA position 2371, G replaced by T.
Protein change: p.Ala791Ser; replaces alanine 791 with serine.
Molecular consequence: missense variant.
Genome position (GRCh38, 1-based): chr7:87,420,021, C>A on the plus strand (G>T on the coding strand, the complement: ABCB4 is on the minus strand). VCF-style: chr7-87420021-C-A. GRCh37 (hg19) VCF-style: chr7-87049337-C-A.
Other names: c.2371G>T, p.Ala791Ser (NM_018849.3, NM_018850.3); short protein forms A791S.
Identifiers: ClinVar variation 2628516 (VCV002628516.2), dbSNP rs753155827, ClinGen allele CA4327041.
Genomic context (GRCh38, chr7:87,420,021, plus strand): 5'-GAAAGATCAGAAGGCATTCTCCAGCGCACACTCCTACCTGTCTTAGCATTGCTTTAAAAG[C>A]CATTGACCGCAGTCTTCTGGTGAGGATCTCGCCAGCTTTCCCAAACGTGAAACCCTGGTT-3'
Protein context (NP_000434.1, residues 781-801): EILTRRLRSM[Ala791Ser]FKAMLRQDMS

ClinVar aggregate classification (germline): Uncertain significance (1 of 4 stars; one submission).

Conditions:
ABCB4-related disorder. Also called: ABCB4-related disorders; ABCB4-related condition.

Allele frequency attached by ClinVar (database versions not stated): gnomAD 0.00003; TOPMed 0.00004; gnomAD exomes 0.00005; ExAC 0.00012.
gnomAD v4.1: 81 of 1,614,104 alleles (0.005%); highest among the groups gnomAD compares: East Asian, 0.17%; no homozygotes.

Submission:

PreventionGenetics, part of Exact Sciences
Classification: Uncertain significance for ABCB4-related condition. Last evaluated: 2026-08-31. Review status: criteria provided, single submitter. Criteria: ACMG Guidelines, 2015. Collection method: clinical testing. Allele origin: germline.
Comment: The ABCB4 c.2371G>T variant is predicted to result in the amino acid substitution p.Ala791Ser. To our knowledge, this variant has not been reported in the literature. This variant is reported in 0.14% of alleles in individuals of East Asian descent in gnomAD. Although we suspect that this variant may be benign, at this time, the clinical significance of this variant is uncertain due to the absence of conclusive functional and genetic evidence.